The following is an entry in ClinVar:

ClinVar aggregate classification (germline): Pathogenic (1 of 4 stars; one submission).

Allele frequency attached by ClinVar (database versions not stated): TOPMed below 0.00001.

Submission:

Labcorp Genetics (formerly Invitae), Labcorp
Classification: Pathogenic. Last evaluated: 2023-04-16. Review status: criteria provided, single submitter. Criteria: Invitae Variant Classification Sherloc (09022015). Collection method: clinical testing. Allele origin: germline.
Comment: This sequence change creates a premature translational stop signal (p.Thr597Glnfs*49) in the CEP152 gene. It is expected to result in an absent or disrupted protein product. Loss-of-function variants in CEP152 are known to be pathogenic (PMID: 21131973). This variant is not present in population databases (gnomAD no frequency). This variant has not been reported in the literature in individuals affected with CEP152-related conditions. For these reasons, this variant has been classified as Pathogenic.

Literature cited by the submitters: PubMed 21131973.

NM_001194998.2(CEP152):c.1785del (p.Thr597fs)

Gene: CEP152 (centrosomal protein 152; minus strand). Cytogenetic location: 15q21.1.
Variant type: Deletion.
Coding change: c.1785del on transcript NM_001194998.2 (MANE Select); coding-DNA position 1785, one base deleted (T; older notation c.1785delT).
Protein change: p.Thr597fs; shifts the reading frame from threonine 597.
Molecular consequence: frameshift variant.
Genome position (GRCh38, 1-based): chr15:48,769,079, A deleted on the plus strand (T on the coding strand, the reverse complement: CEP152 is on the minus strand). VCF-style (leftmost placement, unchanged base first): chr15-48769078-TA-T. GRCh37 (hg19) VCF-style: chr15-49061275-TA-T.
Other names: c.1785del, p.Thr597fs (NM_014985.4); short protein forms T597fs.
Identifiers: ClinVar variation 2804177 (VCV002804177.3), dbSNP rs1895344007, ClinGen allele CA2175642954.